The following is an entry in ClinVar:

NM_000548.5(TSC2):c.340G>T (p.Glu114Ter)

Gene: TSC2 (TSC complex subunit 2; plus strand). Cytogenetic location: 16p13.3.
Variant type: single nucleotide variant.
Coding change: c.340G>T on transcript NM_000548.5 (MANE Select); coding-DNA position 340, G replaced by T.
Protein change: p.Glu114Ter; replaces glutamic acid 114 with a stop codon.
Molecular consequence: nonsense. On other transcripts: intron variant (1).
Genome position (GRCh38, 1-based): chr16:2,054,299, G>T. VCF-style: chr16-2054299-G-T. GRCh37 (hg19) VCF-style: chr16-2104300-G-T.
Other names: c.340G>T, p.Glu114Ter (NM_001077183.3, NM_001114382.3, NM_001363528.2 and 3 more transcripts); c.229G>T, p.Glu77Ter (NM_001318827.2); c.193G>T, p.Glu65Ter (NM_001318829.2); c.373G>T, p.Glu125Ter (NM_001318832.2); c.-1-1897G>T (NM_001318831.2); short protein forms E114*, E65*, E125*, E77*.
Identifiers: ClinVar variation 65033 (VCV000065033.6), dbSNP rs397515021, ClinGen allele CA019116.

ClinVar aggregate classification (germline): Pathogenic. Review status: criteria provided, single submitter (1 of 4 stars). 2 submissions from 2 submitters: Pathogenic (1). 1 of the submissions does not count toward it. Last evaluated 2022-04-17.

Conditions:
Tuberous sclerosis syndrome (TSC). Also called: Tuberous Sclerosis Complex; Tuberous sclerosis. Identifiers: Orphanet 805, MedGen C0041341, MONDO:0001734.
Tuberous sclerosis 2 (TSC2). Identifiers: Orphanet 805, MedGen C1860707, MONDO:0013199, OMIM 613254.

Submissions (2):

Labcorp Genetics (formerly Invitae), Labcorp
Classification: Pathogenic for Tuberous sclerosis 2. Last evaluated: 2022-04-17. Review status: criteria provided, single submitter. Criteria: Invitae Variant Classification Sherloc (09022015). Collection method: clinical testing. Allele origin: germline.
Comment: For these reasons, this variant has been classified as Pathogenic. Algorithms developed to predict the effect of sequence changes on RNA splicing suggest that this variant may create or strengthen a splice site. ClinVar contains an entry for this variant (Variation ID: 65033). This variant has not been reported in the literature in individuals affected with TSC2-related conditions. This variant is not present in population databases (gnomAD no frequency). This sequence change creates a premature translational stop signal (p.Glu114*) in the TSC2 gene. It is expected to result in an absent or disrupted protein product. Loss-of-function variants in TSC2 are known to be pathogenic (PMID: 10205261, 17304050).

Tuberous sclerosis database (TSC2)
No classification provided. Condition: TSC. Review status: no classification provided. Criteria: Tuberous Sclerosis Database Assertion Criteria 2015. Collection method: curation. Allele origin: germline. Affected: yes. Not counted in ClinVar's aggregate classification.

Literature cited by the submitters: PubMed 10205261 (cited by Labcorp Genetics (formerly Invitae), Labcorp); PubMed 17304050 (cited by Labcorp Genetics (formerly Invitae), Labcorp).